The following is an entry in ClinVar:

NM_001927.4(DES):c.735+3A>T

Gene: DES (desmin; plus strand). Cytogenetic location: 2q35.
Variant type: single nucleotide variant.
Coding change: c.735+3A>T on transcript NM_001927.4 (MANE Select); 3 bases into the intron after coding-DNA position 735, A replaced by T.
Molecular consequence: intron variant.
Genome position (GRCh38, 1-based): chr2:219,420,349, A>T. VCF-style: chr2-219420349-A-T. GRCh37 (hg19) VCF-style: chr2-220285071-A-T.
Other names: c.735+3A>T (LRG_380t1).
Identifiers: ClinVar variation 411151 (VCV000411151.9), dbSNP rs267607483, ClinGen allele CA16610783.
Genomic context (GRCh38, chr2:219,420,349, plus strand): 5'-GCGCAGAATTGAATCTCTCAACGAGGAGATCGCGTTCCTTAAGAAAGTGCATGAAGAGGT[A>T]TACCTTGGCCCCTCTTCCTGGGGTCACTGGGCCATGGGGAAAGCAGCCGGAAAGTGGGGT-3'

ClinVar aggregate classification (germline): Conflicting classifications of pathogenicity. Review status: criteria provided, conflicting classifications (1 of 4 stars). 3 submissions from 3 submitters: Likely pathogenic (1); Uncertain significance (2). Last evaluated 2025-01-08.

Conditions:
Cardiovascular phenotype. Identifiers: MedGen CN230736.
DES-related disorders.
Desmin-related myofibrillar myopathy (MFM1). Also called: Myofibrillar myopathy 1; MYOFIBRILLAR MYOPATHY WITH ARRHYTHMOGENIC RIGHT VENTRICULAR CARDIOMYOPATHY; DESMIN-RELATED MYOPATHY WITH ARRHYTHMOGENIC RIGHT VENTRICULAR CARDIOMYOPATHY; Desminopathy; Desmin related myopathy (former name); Desmin storage myopathy (former name). Identifiers: Orphanet 363543, Orphanet 98909, MedGen C1832370, MONDO:0011076, OMIM 601419.

Submissions (3):

Ambry Genetics
Classification: Uncertain significance for Cardiovascular phenotype. Last evaluated: 2025-01-08. Review status: criteria provided, single submitter. Criteria: Ambry Variant Classification Scheme 2023. Collection method: clinical testing. Allele origin: germline.
Comment: The c.735+3A>T intronic variant results from an A to T substitution 3 nucleotides after coding exon 3 in the DES gene. This nucleotide position is well conserved in available vertebrate species. In silico splice site analysis predicts that this alteration may result in the creation or strengthening of a novel splice donor site. Based on the available evidence, the clinical significance of this variant remains unclear.

Blueprint Genetics
Classification: Likely pathogenic for DES-related disorders. Last evaluated: 2024-11-21. Review status: criteria provided, single submitter. Criteria: ACMG Guidelines, 2015. Collection method: clinical testing. Allele origin: germline. Affected: yes. Observed: 1 variant allele.

Labcorp Genetics (formerly Invitae), Labcorp
Classification: Uncertain significance for Desmin-related myofibrillar myopathy. Last evaluated: 2021-09-14. Review status: criteria provided, single submitter. Criteria: Invitae Variant Classification Sherloc (09022015). Collection method: clinical testing. Allele origin: germline.
Comment: This variant disrupts the c.735+3 nucleotide in the DES gene. Other variant(s) that disrupt this nucleotide have been determined to be pathogenic (PMID: 11073539, 23155419). This suggests that this nucleotide is clinically significant, and that variants that disrupt this position are likely to be disease-causing. Variants that disrupt the consensus splice site are a relatively common cause of aberrant splicing (PMID: 17576681, 9536098). Algorithms developed to predict the effect of sequence changes on RNA splicing suggest that this variant may disrupt the consensus splice site. ClinVar contains an entry for this variant (Variation ID: 411151). In summary, the available evidence is currently insufficient to determine the role of this variant in disease. Therefore, it has been classified as a Variant of Uncertain Significance. This variant has not been reported in the literature in individuals affected with DES-related conditions. This variant is not present in population databases (ExAC no frequency). This sequence change falls in intron 3 of the DES gene. It does not directly change the encoded amino acid sequence of the DES protein. It affects a nucleotide within the consensus splice site of the intron.

Literature cited by the submitters: PubMed 11073539 (cited by Labcorp Genetics (formerly Invitae), Labcorp); PubMed 23155419 (cited by Labcorp Genetics (formerly Invitae), Labcorp); PubMed 17576681 (cited by Labcorp Genetics (formerly Invitae), Labcorp); PubMed 9536098 (cited by Labcorp Genetics (formerly Invitae), Labcorp).